The following is an entry in ClinVar:

ClinVar aggregate classification (germline): Pathogenic. Review status: reviewed by expert panel (3 of 4 stars). 5 submissions from 5 submitters: Pathogenic (1). 4 of the submissions do not count toward it. Last evaluated 2016-09-08.

Conditions:
Hereditary breast ovarian cancer syndrome. Also called: BRCA1- and BRCA2-Associated Hereditary Breast and Ovarian Cancer; Hereditary breast and ovarian cancer syndrome; Hereditary breast and ovarian cancer syndrome (HBOC); Breast and ovarian cancer; Hereditary breast and/or ovarian cancer syndrome; Hereditary breast and ovarian cancer. Identifiers: Orphanet 145, MedGen C0677776, MeSH D061325, MONDO:0003582. Disease mechanism: loss of function.
Hereditary cancer-predisposing syndrome. Also called: Hereditary Cancer Syndrome; Hereditary neoplastic syndrome; Neoplastic Syndromes, Hereditary; Tumor predisposition. Identifiers: Orphanet 140162, MedGen C0027672, MeSH D009386, MONDO:0015356.
Breast-ovarian cancer, familial, susceptibility to, 1 (BROVCA1). Also called: BRCA1 Hereditary Breast and Ovarian Cancer; OVARIAN CANCER, SUSCEPTIBILITY TO. Identifiers: Orphanet 145, MedGen C2676676, MONDO:0011450, OMIM 604370. Disease mechanism: loss of function.

Submissions (5):

Evidence-based Network for the Interpretation of Germline Mutant Alleles (ENIGMA)
Classification: Pathogenic for Breast-ovarian cancer, familial, susceptibility to, 1. Last evaluated: 2016-09-08. Review status: reviewed by expert panel. Criteria: ENIGMA BRCA1/2 Classification Criteria (2015). Collection method: curation. Allele origin: germline.
Comment: Variant allele predicted to encode a truncated non-functional protein.

Labcorp Genetics (formerly Invitae), Labcorp
Classification: Pathogenic for Hereditary breast ovarian cancer syndrome. Last evaluated: 2024-10-12. Review status: criteria provided, single submitter. Criteria: Invitae Variant Classification Sherloc (09022015). Collection method: clinical testing. Allele origin: germline. Not counted in ClinVar's aggregate classification.
Comment: This sequence change creates a premature translational stop signal (p.Thr1777Hisfs*53) in the BRCA1 gene. It is expected to result in an absent or disrupted protein product. Loss-of-function variants in BRCA1 are known to be pathogenic (PMID: 20104584). This variant is not present in population databases (gnomAD no frequency). This premature translational stop signal has been observed in individual(s) with breast and ovarian cancer (PMID: 11597388, 12188064, 28993434). This variant is also known as c.5447-5448insC, 5448insC. ClinVar contains an entry for this variant (Variation ID: 55526). For these reasons, this variant has been classified as Pathogenic.

Ambry Genetics
Classification: Pathogenic for Hereditary cancer-predisposing syndrome. Last evaluated: 2018-10-26. Review status: criteria provided, single submitter. Criteria: Ambry Variant Classification Scheme 2023. Collection method: clinical testing. Allele origin: germline. Not counted in ClinVar's aggregate classification.
Comment: The c.5328dupC pathogenic mutation, located in coding exon 19 of the BRCA1 gene, results from a duplication of C at nucleotide position 5328, causing a translational frameshift with a predicted alternate stop codon (p.T1777Hfs*53). This mutation has been observed in multiple patients with breast and/or ovarian cancer, including early onset breast cancer (Balraj P et al. Singapore Med. J. 2002 Apr;43:194-7; Fostira F et al. Breast Cancer Res. Treat. 2012 Jul;134:353-62; Kang PC et al. Breast Cancer Res. Treat. 2014 Apr;144:635-42; Wen WX et al. J. Med. Genet. 2018 Feb;55:97-103). Of note, this alteration is also designated as c.5447-5448insC (insC5447) in published literature. In addition to the clinical data presented in the literature, this alteration is expected to result in loss of function by premature protein truncation or nonsense-mediated mRNA decay. As such, this alteration is interpreted as a disease-causing mutation.

Consortium of Investigators of Modifiers of BRCA1/2 (CIMBA), c/o University of Cambridge
Classification: Pathogenic for Breast-ovarian cancer, familial, susceptibility to, 1. Last evaluated: 2015-10-02. Review status: criteria provided, single submitter. Criteria: CIMBA Mutation Classification guidelines May 2016. Collection method: clinical testing. Allele origin: germline. Not counted in ClinVar's aggregate classification.

Breast Cancer Information Core (BIC) (BRCA1)
Classification: Pathogenic for Breast-ovarian cancer, familial 1. Review status: no assertion criteria provided. Collection method: clinical testing. Allele origin: germline, unknown. Affected: yes. Observed: 2 variant alleles. Not counted in ClinVar's aggregate classification.

Literature cited by the submitters: PubMed 20104584 (cited by Labcorp Genetics (formerly Invitae), Labcorp); PubMed 11597388 (cited by Labcorp Genetics (formerly Invitae), Labcorp); PubMed 12188064 (cited by Labcorp Genetics (formerly Invitae), Labcorp and Ambry Genetics); PubMed 28993434 (cited by Labcorp Genetics (formerly Invitae), Labcorp and Ambry Genetics); PubMed 22434525 (cited by Ambry Genetics); PubMed 24010542 (cited by Ambry Genetics); PubMed 24578176 (cited by Ambry Genetics); PubMed 26187060 (cited by Ambry Genetics).

NM_007294.4(BRCA1):c.5328dup (p.Thr1777fs)

Gene: BRCA1 (BRCA1 DNA repair associated; minus strand). Cytogenetic location: 17q21.31.
Variant type: Duplication.
Coding change: c.5328dup on transcript NM_007294.4 (MANE Select); coding-DNA position 5328, one base duplicated (C; older notation c.5328dupC).
Protein change: p.Thr1777fs; shifts the reading frame from threonine 1777.
Molecular consequence: frameshift variant. On other transcripts: non-coding transcript variant (1).
Genome position (GRCh38, 1-based): chr17:43,051,067, G duplicated on the plus strand (C on the coding strand, the reverse complement: BRCA1 is on the minus strand); the first of 3 consecutive G bases (chr17:43,051,067-43,051,069); duplicating any one gives the same sequence. VCF-style (leftmost placement, unchanged base first): chr17-43051066-T-TG. GRCh37 (hg19) VCF-style: chr17-41203083-T-TG.
Other names: 5447insC; c.5328dupC (NM_007294.3); c.1888dup, p.Thr631Hisfs (NM_001408450.1, NM_001408445.1, NM_001408446.1 and 2 more transcripts); c.1882dup, p.Thr629Hisfs (NM_001408451.1); c.1876dup, p.Thr627Hisfs (NM_001408452.1, NM_001408453.1, NM_001408454.1 and 3 more transcripts); c.1873dup, p.Thr626Hisfs (NM_001408458.1, NM_001408459.1, NM_001408460.1 and 7 more transcripts); c.1870dup, p.Thr625Hisfs (NM_001408468.1, NM_001408469.1, NM_001408470.1); c.2014dup, p.Thr673Hisfs (NM_001408472.1, NM_007298.4, NM_007304.2 and 12 more transcripts); and 77 more; short protein forms T673fs, T1777fs, T1798fs, T1730fs.
Identifiers: ClinVar variation 55526 (VCV000055526.9), dbSNP rs80357751, ClinGen allele CA268388.